The following is an entry in ClinVar:

ClinVar aggregate classification (germline): Uncertain significance. Review status: criteria provided, multiple submitters, no conflicts (2 of 4 stars). 3 submissions from 3 submitters: Uncertain significance (3). Last evaluated 2024-12-10.

Conditions:
Inborn genetic diseases. Identifiers: MedGen C0950123, MeSH D030342.
Xeroderma pigmentosum (XP). Identifiers: Orphanet 910, MedGen C0043346, MONDO:0019600.

Allele frequency attached by ClinVar (database versions not stated): gnomAD exomes 0.00001 and 0.00002; ExAC 0.00002; gnomAD 0.00006 and 0.00007; TOPMed 0.00008; 1000 Genomes Project 30x 0.00016; 1000 Genomes Project 0.00020.
gnomAD v4.1: 21 of 1,614,072 alleles (0.0013%); highest among the groups gnomAD compares: African/African-American, 0.028%; 1 homozygote.

Submissions (3):

Ambry Genetics
Classification: Uncertain significance for Inborn genetic diseases. Last evaluated: 2024-12-10. Review status: criteria provided, single submitter. Criteria: Ambry Variant Classification Scheme 2023. Collection method: clinical testing. Allele origin: germline.

Labcorp Genetics (formerly Invitae), Labcorp
Classification: Uncertain significance. Last evaluated: 2022-06-27. Review status: criteria provided, single submitter. Criteria: Invitae Variant Classification Sherloc (09022015). Collection method: clinical testing. Allele origin: germline.
Comment: This sequence change replaces proline, which is neutral and non-polar, with leucine, which is neutral and non-polar, at codon 75 of the ERCC3 protein (p.Pro75Leu). This variant is present in population databases (rs553774995, gnomAD 0.02%). This variant has not been reported in the literature in individuals affected with ERCC3-related conditions. Algorithms developed to predict the effect of missense changes on protein structure and function are either unavailable or do not agree on the potential impact of this missense change (SIFT: "Deleterious"; PolyPhen-2: "Probably Damaging"; Align-GVGD: "Class C0"). In summary, the available evidence is currently insufficient to determine the role of this variant in disease. Therefore, it has been classified as a Variant of Uncertain Significance.

Sema4
Classification: Uncertain significance for Xeroderma pigmentosum. Last evaluated: 2021-11-30. Review status: criteria provided, single submitter. Criteria: Sema4 Curation Guidelines. Collection method: curation. Allele origin: germline.
Comment: To the best of our knowledge, the ERCC3 c.224C>T (p.P75L) variant has not been reported in individuals with ERCC3-related disease. This variant was observed in 6/24954 chromosomes in the African subpopulation according to the Genome Aggregation Database (PMID: 32461654), but has not been reported in ClinVar. In silico tools suggest the impact of the variant on protein function is deleterious, though these predictions have not been confirmed by functional studies. Based on the current evidence available, this variant is interpreted as a variant of uncertain significance.

NM_000122.2(ERCC3):c.224C>T (p.Pro75Leu)

Gene: ERCC3 (ERCC excision repair 3, TFIIH core complex helicase subunit; minus strand). Cytogenetic location: 2q14.3.
Variant type: single nucleotide variant.
Coding change: c.224C>T on transcript NM_000122.2 (MANE Select); coding-DNA position 224, C replaced by T.
Protein change: p.Pro75Leu; replaces proline 75 with leucine.
Molecular consequence: missense variant.
Genome position (GRCh38, 1-based): chr2:127,293,523, G>A on the plus strand (C>T on the coding strand, the complement: ERCC3 is on the minus strand). VCF-style: chr2-127293523-G-A. GRCh37 (hg19) VCF-style: chr2-128051099-G-A.
Other names: c.32C>T, p.Pro11Leu (NM_001303416.2, NM_001303418.2); short protein forms P11L, P75L.
Identifiers: ClinVar variation 1354082 (VCV001354082.7), dbSNP rs553774995, ClinGen allele CA1858598.
Genomic context (GRCh38, chr2:127,293,523, plus strand): 5'-CTGCCGCTCCGCACACTCCTGGGCCCTGCCCAAGCTAAGGGCATGCTTACCACCCAGAGG[G>A]GCCTGGAGGTGTGGTCGTCCTTCAGCGGCATTTGCAGCCTGTAGTCCTTGGCTCCATATT-3'
Protein context (NP_000113.1, residues 65-85): MPLKDDHTSR[Pro75Leu]LWVAPDGHIF